The following is an entry in ClinVar:

NM_004525.3(LRP2):c.7157C>T (p.Thr2386Ile)

Gene: LRP2 (LDL receptor related protein 2; minus strand). Cytogenetic location: 2q31.1.
Variant type: single nucleotide variant.
Coding change: c.7157C>T on transcript NM_004525.3 (MANE Select); coding-DNA position 7157, C replaced by T.
Protein change: p.Thr2386Ile; replaces threonine 2386 with isoleucine.
Molecular consequence: missense variant.
Genome position (GRCh38, 1-based): chr2:169,206,563, G>A on the plus strand (C>T on the coding strand, the complement: LRP2 is on the minus strand). VCF-style: chr2-169206563-G-A. GRCh37 (hg19) VCF-style: chr2-170063073-G-A.
Other names: short protein forms T2386I.
Identifiers: ClinVar variation 1715553 (VCV001715553.5), dbSNP rs1688395252, ClinGen allele CA349171435.

ClinVar aggregate classification (germline): Uncertain significance (1 of 4 stars; one submission).

Allele frequency attached by ClinVar (database versions not stated): gnomAD exomes below 0.00001.
gnomAD v4.1: 1 of 1,614,162 alleles (0.000062%); highest among the groups gnomAD compares: Non-Finnish European, 0.000085%; no homozygotes.

Submission:

Labcorp Genetics (formerly Invitae), Labcorp
Classification: Uncertain significance. Last evaluated: 2022-08-10. Review status: criteria provided, single submitter. Criteria: Invitae Variant Classification Sherloc (09022015). Collection method: clinical testing. Allele origin: germline.
Comment: In summary, the available evidence is currently insufficient to determine the role of this variant in disease. Therefore, it has been classified as a Variant of Uncertain Significance. Advanced modeling of protein sequence and biophysical properties (such as structural, functional, and spatial information, amino acid conservation, physicochemical variation, residue mobility, and thermodynamic stability) performed at Invitae indicates that this missense variant is not expected to disrupt LRP2 protein function. This variant has not been reported in the literature in individuals affected with LRP2-related conditions. This variant is not present in population databases (gnomAD no frequency). This sequence change replaces threonine, which is neutral and polar, with isoleucine, which is neutral and non-polar, at codon 2386 of the LRP2 protein (p.Thr2386Ile).